The following is an entry in ClinVar:

NM_198578.4(LRRK2):c.4555G>T (p.Val1519Phe)

Gene: LRRK2 (leucine rich repeat kinase 2; plus strand). Cytogenetic location: 12q12.
Variant type: single nucleotide variant.
Coding change: c.4555G>T on transcript NM_198578.4 (MANE Select); coding-DNA position 4555, G replaced by T.
Protein change: p.Val1519Phe; replaces valine 1519 with phenylalanine.
Molecular consequence: missense variant.
Genome position (GRCh38, 1-based): chr12:40,313,990, G>T. VCF-style: chr12-40313990-G-T. GRCh37 (hg19) VCF-style: chr12-40707792-G-T.
Other names: short protein forms V1519F.
Identifiers: ClinVar variation 3022403 (VCV003022403.3), dbSNP rs1390276006, ClinGen allele CA384418772.

ClinVar aggregate classification (germline): Uncertain significance (1 of 4 stars; one submission).

Conditions:
Autosomal dominant Parkinson disease 8. Also called: LRRK2-Related Parkinson Disease; Parkinson disease 8; Parkinson disease 8, susceptibility to. Identifiers: Orphanet 411602, MedGen C1846862, MONDO:0011764, OMIM 607060.

Allele frequency attached by ClinVar (database versions not stated): TOPMed below 0.00001; gnomAD 0.00001.
gnomAD v4.1: 2 of 1,611,180 alleles (0.00012%); highest among the groups gnomAD compares: Non-Finnish European, 0.00017%; no homozygotes.

Submission:

Labcorp Genetics (formerly Invitae), Labcorp
Classification: Uncertain significance for Autosomal dominant Parkinson disease 8. Last evaluated: 2023-01-10. Review status: criteria provided, single submitter. Criteria: Invitae Variant Classification Sherloc (09022015). Collection method: clinical testing. Allele origin: germline.
Comment: This variant has not been reported in the literature in individuals affected with LRRK2-related conditions. This variant is not present in population databases (gnomAD no frequency). This sequence change replaces valine, which is neutral and non-polar, with phenylalanine, which is neutral and non-polar, at codon 1519 of the LRRK2 protein (p.Val1519Phe). Advanced modeling of protein sequence and biophysical properties (such as structural, functional, and spatial information, amino acid conservation, physicochemical variation, residue mobility, and thermodynamic stability) has been performed at Invitae for this missense variant, however the output from this modeling did not meet the statistical confidence thresholds required to predict the impact of this variant on LRRK2 protein function. In summary, the available evidence is currently insufficient to determine the role of this variant in disease. Therefore, it has been classified as a Variant of Uncertain Significance.